The following is an entry in ClinVar:

NM_000834.5(GRIN2B):c.61G>A (p.Val21Met)

Gene: GRIN2B (glutamate ionotropic receptor NMDA type subunit 2B; minus strand). Cytogenetic location: 12p13.1.
Variant type: single nucleotide variant.
Coding change: c.61G>A on transcript NM_000834.5 (MANE Select); coding-DNA position 61, G replaced by A.
Protein change: p.Val21Met; replaces valine 21 with methionine.
Molecular consequence: missense variant.
Genome position (GRCh38, 1-based): chr12:13,866,148, C>T on the plus strand (G>A on the coding strand, the complement: GRIN2B is on the minus strand). VCF-style: chr12-13866148-C-T. GRCh37 (hg19) VCF-style: chr12-14019082-C-T.
Other names: p.V21M:GTG>ATG; short protein forms V21M.
Identifiers: ClinVar variation 205706 (VCV000205706.41), dbSNP rs79046967, ClinGen allele CA315040.

ClinVar aggregate classification (germline): Benign/Likely benign. Review status: criteria provided, multiple submitters, no conflicts (2 of 4 stars). 6 submissions from 6 submitters: Benign (1); Likely benign (4). 1 of the submissions does not count toward it. Last evaluated 2026-01-05.

Conditions:
GRIN2B-related disorder. Also called: GRIN2B-related condition.
Inborn genetic diseases. Identifiers: MedGen C0950123, MeSH D030342.
Intellectual developmental disorder, autosomal dominant 6, with or without seizures. Also called: Intellectual disability, autosomal dominant 6; GRIN2B-related developmental delay, intellectual disability and autism spectrum disorder. Identifiers: Orphanet 589547, MedGen C3151411, MONDO:0013509, OMIM 613970.
Developmental and epileptic encephalopathy, 27 (DEE27). Also called: Epileptic encephalopathy, early infantile, 27; GRIN2B-Related Neurodevelopmental Disorder. Identifiers: Orphanet 3451, MedGen C4015316, MONDO:0014505, OMIM 616139.

Allele frequency attached by ClinVar (database versions not stated): gnomAD 0.00003 and 0.00004; ESP Exome Variant Server 0.00008; TOPMed 0.00010; gnomAD exomes 0.00012 and 0.00022; ExAC 0.00017.
gnomAD v4.1: 175 of 1,612,876 alleles (0.011%); highest among the groups gnomAD compares: Admixed American, 0.085%; no homozygotes.

Submissions (6):

Labcorp Genetics (formerly Invitae), Labcorp
Classification: Likely benign for Developmental and epileptic encephalopathy, 27; Intellectual developmental disorder, autosomal dominant 6, with or without seizures. Last evaluated: 2026-01-05. Review status: criteria provided, single submitter. Criteria: Invitae Variant Classification Sherloc (09022015). Collection method: clinical testing. Allele origin: germline.

CeGaT Center for Human Genetics Tuebingen
Classification: Likely benign. Last evaluated: 2024-08-01. Review status: criteria provided, single submitter. Criteria: CeGaT Center For Human Genetics Tuebingen Variant Classification Criteria Version 2. Collection method: clinical testing. Allele origin: germline. Affected: yes. Observed: 2 variant alleles.
Comment: GRIN2B: PP2, BP4, BS2

Blueprint Genetics
Classification: Likely benign. Last evaluated: 2023-04-04. Review status: criteria provided, single submitter. Criteria: ACMG Guidelines, 2015. Collection method: clinical testing. Allele origin: germline.

GeneDx
Classification: Benign. Last evaluated: 2021-07-21. Review status: criteria provided, single submitter. Criteria: GeneDx Variant Classification Process June 2021. Collection method: clinical testing. Allele origin: germline. Affected: yes.
Comment: This variant is associated with the following publications: (PMID: 27839871)

Ambry Genetics
Classification: Likely benign for Inborn genetic diseases. Last evaluated: 2018-01-19. Review status: criteria provided, single submitter. Criteria: Ambry Variant Classification Scheme 2023. Collection method: clinical testing. Allele origin: germline.

PreventionGenetics, part of Exact Sciences
Classification: Likely benign for GRIN2B-related condition. Last evaluated: 2022-05-20. Review status: no assertion criteria provided. Collection method: clinical testing. Allele origin: germline. Not counted in ClinVar's aggregate classification.
Comment: This variant is classified as likely benign based on ACMG/AMP sequence variant interpretation guidelines (Richards et al. 2015 PMID: 25741868, with internal and published modifications).